The following is an entry in ClinVar:

NM_000465.4(BARD1):c.1499dup (p.Asp500fs)

Gene: BARD1 (BRCA1 associated RING domain 1; minus strand). Cytogenetic location: 2q35.
Variant type: Duplication.
Coding change: c.1499dup on transcript NM_000465.4 (MANE Select); coding-DNA position 1499, one base duplicated (A; older notation c.1499dupA).
Protein change: p.Asp500fs; shifts the reading frame from aspartic acid 500.
Molecular consequence: frameshift variant. On other transcripts: non-coding transcript variant (3), intron variant (3).
Genome position (GRCh38, 1-based): chr2:214,767,551, T duplicated on the plus strand (A on the coding strand, the reverse complement: BARD1 is on the minus strand). VCF-style (leftmost placement, unchanged base first): chr2-214767550-A-AT. GRCh37 (hg19) VCF-style: chr2-215632274-A-AT.
Other names: c.1442dup, p.Asp481fs (NM_001282543.2); c.159-14996dup (NM_001282548.2); c.216-14996dup (NM_001282545.2); c.364+24746dup (NM_001282549.2); c.1499dup (NM_000465.3); short protein forms D481fs, D500fs.
Identifiers: ClinVar variation 406776 (VCV000406776.12), dbSNP rs1553619258, ClinGen allele CA16610583.

ClinVar aggregate classification (germline): Pathogenic. Review status: criteria provided, multiple submitters, no conflicts (2 of 4 stars). 2 submissions from 2 submitters: Pathogenic (2). Last evaluated 2023-05-23.

Conditions:
Familial cancer of breast. Also called: BREAST CANCER, FAMILIAL; Hereditary breast cancer; hereditary breast carcinoma. Identifiers: Orphanet 227535, MedGen C0346153, MONDO:0016419, OMIM 114480. Disease mechanism: loss of function.

Submissions (2):

Myriad Genetics, Inc.
Classification: Pathogenic for Familial cancer of breast. Last evaluated: 2023-05-23. Review status: criteria provided, single submitter. Criteria: Myriad Autosomal Dominant, Autosomal Recessive and X-Linked Classification Criteria (2023). Collection method: clinical testing. Allele origin: unknown.
Comment: This variant is considered pathogenic. This variant creates a frameshift predicted to result in premature protein truncation.

Labcorp Genetics (formerly Invitae), Labcorp
Classification: Pathogenic for Familial cancer of breast. Last evaluated: 2021-06-11. Review status: criteria provided, single submitter. Criteria: Invitae Variant Classification Sherloc (09022015). Collection method: clinical testing. Allele origin: germline.
Comment: Loss-of-function variants in BARD1 are known to be pathogenic (PMID: 20077502, 21344236). For these reasons, this variant has been classified as Pathogenic. This variant has not been reported in the literature in individuals with BARD1-related conditions. ClinVar contains an entry for this variant (Variation ID: 406776). This variant is not present in population databases (ExAC no frequency). This sequence change creates a premature translational stop signal (p.Asp500Glufs*25) in the BARD1 gene. It is expected to result in an absent or disrupted protein product.

Literature cited by the submitters: PubMed 20077502 (cited by Labcorp Genetics (formerly Invitae), Labcorp); PubMed 21344236 (cited by Labcorp Genetics (formerly Invitae), Labcorp).